The following is an entry in ClinVar:

NM_020401.4(NUP107):c.680+5T>C

Gene: NUP107 (nucleoporin 107; plus strand). Cytogenetic location: 12q15.
Variant type: single nucleotide variant.
Coding change: c.680+5T>C on transcript NM_020401.4 (MANE Select); 5 bases into the intron after coding-DNA position 680, T replaced by C.
Molecular consequence: intron variant.
Genome position (GRCh38, 1-based): chr12:68,700,858, T>C. VCF-style: chr12-68700858-T-C. GRCh37 (hg19) VCF-style: chr12-69094638-T-C.
Other names: c.593+5T>C (NM_001330192.2).
Identifiers: ClinVar variation 2075730 (VCV002075730.4), dbSNP rs755317853, ClinGen allele CA6677508.

ClinVar aggregate classification (germline): Uncertain significance (1 of 4 stars; one submission).

Allele frequency attached by ClinVar (database versions not stated): gnomAD 0.00001; gnomAD exomes 0.00001; ExAC 0.00003.
gnomAD v4.1: 6 of 1,574,250 alleles (0.00038%); highest among the groups gnomAD compares: Non-Finnish European, 0.00043%; no homozygotes.

Submission:

Labcorp Genetics (formerly Invitae), Labcorp
Classification: Uncertain significance. Last evaluated: 2022-07-12. Review status: criteria provided, single submitter. Criteria: Invitae Variant Classification Sherloc (09022015). Collection method: clinical testing. Allele origin: germline.
Comment: In summary, the available evidence is currently insufficient to determine the role of this variant in disease. Therefore, it has been classified as a Variant of Uncertain Significance. Variants that disrupt the consensus splice site are a relatively common cause of aberrant splicing (PMID: 17576681, 9536098). Algorithms developed to predict the effect of sequence changes on RNA splicing suggest that this variant may create or strengthen a splice site. This variant has not been reported in the literature in individuals affected with NUP107-related conditions. This variant is present in population databases (rs755317853, gnomAD 0.004%). This sequence change falls in intron 7 of the NUP107 gene. It does not directly change the encoded amino acid sequence of the NUP107 protein. It affects a nucleotide within the consensus splice site.

Literature cited by the submitters: PubMed 17576681; PubMed 9536098.